The following is an entry in ClinVar:

ClinVar aggregate classification (germline): Uncertain significance. Review status: criteria provided, multiple submitters, no conflicts (2 of 4 stars). 6 submissions from 6 submitters: Uncertain significance (6). Last evaluated 2025-10-31.

Conditions:
Inborn genetic diseases. Identifiers: MedGen C0950123, MeSH D030342.
CTC1-related disorder. Also called: CTC1-related condition.
Dyskeratosis congenita. Identifiers: Orphanet 1775, MedGen C0265965, MONDO:0015780.

Allele frequency attached by ClinVar (database versions not stated): gnomAD exomes 0.00001 and 0.00003; ExAC 0.00005; ESP Exome Variant Server 0.00016; gnomAD 0.00017 and 0.00019; TOPMed 0.00017; 1000 Genomes Project 0.00020; 1000 Genomes Project 30x 0.00031.
gnomAD v4.1: 45 of 1,614,128 alleles (0.0028%); highest among the groups gnomAD compares: African/African-American, 0.04%; no homozygotes.

Submissions (6):

PreventionGenetics, part of Exact Sciences
Classification: Uncertain significance for CTC1-related condition. Last evaluated: 2025-10-31. Review status: criteria provided, single submitter. Criteria: ACMG Guidelines, 2015. Collection method: clinical testing. Allele origin: germline.
Comment: The CTC1 c.3340C>T variant is predicted to result in the amino acid substitution p.Pro1114Ser. To our knowledge, this variant has not been reported in the literature. This variant is reported in 0.041% of alleles in individuals of African descent in gnomAD. At this time, the clinical significance of this variant is uncertain due to the absence of conclusive functional and genetic evidence.

Mayo Clinic Laboratories, Mayo Clinic
Classification: Uncertain significance. Last evaluated: 2025-09-19. Review status: criteria provided, single submitter. Criteria: ACMG Guidelines, 2015. Collection method: clinical testing. Allele origin: germline. Observed: 1 variant allele.
Comment: PM2_supporting

Ambry Genetics
Classification: Uncertain significance for Inborn genetic diseases. Last evaluated: 2025-09-05. Review status: criteria provided, single submitter. Criteria: Ambry Variant Classification Scheme 2023. Collection method: clinical testing. Allele origin: germline.

Women's Health and Genetics/Laboratory Corporation of America, LabCorp
Classification: Uncertain significance. Last evaluated: 2025-05-20. Review status: criteria provided, single submitter. Criteria: LabCorp Variant Classification Summary - May 2015. Collection method: clinical testing. Allele origin: germline.
Comment: Variant summary: CTC1 c.3340C>T (p.Pro1114Ser) results in a non-conservative amino acid change in the encoded protein sequence. Algorithms developed to predict the effect of missense changes on protein structure and function all suggest that this variant is likely to be disruptive. The variant allele was found at a frequency of 3.2e-05 in 249472 control chromosomes. The available data on variant occurrences in the general population are insufficient to allow any conclusion about variant significance. To our knowledge, no occurrence of c.3340C>T in individuals affected with Cerebroretinal Microangiopathy With Calcifications And Cysts 1 and no experimental evidence demonstrating its impact on protein function have been reported. ClinVar contains an entry for this variant (Variation ID: 854564). Based on the evidence outlined above, the variant was classified as uncertain significance.

GeneDx
Classification: Uncertain significance. Last evaluated: 2024-05-31. Review status: criteria provided, single submitter. Criteria: GeneDx Variant Classification Process June 2021. Collection method: clinical testing. Allele origin: germline. Affected: yes.
Comment: In silico analysis supports that this missense variant has a deleterious effect on protein structure/function; Has not been previously published as pathogenic or benign to our knowledge

Labcorp Genetics (formerly Invitae), Labcorp
Classification: Uncertain significance for Dyskeratosis congenita. Last evaluated: 2022-07-05. Review status: criteria provided, single submitter. Criteria: Invitae Variant Classification Sherloc (09022015). Collection method: clinical testing. Allele origin: germline.
Comment: This sequence change replaces proline, which is neutral and non-polar, with serine, which is neutral and polar, at codon 1114 of the CTC1 protein (p.Pro1114Ser). This variant is present in population databases (rs370564569, gnomAD 0.04%). This variant has not been reported in the literature in individuals affected with CTC1-related conditions. ClinVar contains an entry for this variant (Variation ID: 854564). Algorithms developed to predict the effect of missense changes on protein structure and function are either unavailable or do not agree on the potential impact of this missense change (SIFT: "Tolerated"; PolyPhen-2: "Probably Damaging"; Align-GVGD: "Class C0"). In summary, the available evidence is currently insufficient to determine the role of this variant in disease. Therefore, it has been classified as a Variant of Uncertain Significance.

NM_025099.6(CTC1):c.3340C>T (p.Pro1114Ser)

Gene: CTC1 (CST telomere replication complex component 1; minus strand). Cytogenetic location: 17p13.1.
Variant type: single nucleotide variant.
Coding change: c.3340C>T on transcript NM_025099.6 (MANE Select); coding-DNA position 3340, C replaced by T.
Protein change: p.Pro1114Ser; replaces proline 1114 with serine.
Molecular consequence: missense variant. On other transcripts: non-coding transcript variant (1).
Genome position (GRCh38, 1-based): chr17:8,228,774, G>A on the plus strand (C>T on the coding strand, the complement: CTC1 is on the minus strand). VCF-style: chr17-8228774-G-A. GRCh37 (hg19) VCF-style: chr17-8132092-G-A.
Other names: p.Pro1114Ser; short protein forms P1114S.
Identifiers: ClinVar variation 854564 (VCV000854564.13), dbSNP rs370564569, ClinGen allele CA8371805.